The following is an entry in ClinVar:

ClinVar aggregate classification (germline): Uncertain significance (1 of 4 stars; one submission).

gnomAD v4.1: 38 of 1,613,822 alleles (0.0024%); highest among the groups gnomAD compares: East Asian, 0.011%; no homozygotes.

Submission:

Labcorp Genetics (formerly Invitae), Labcorp
Classification: Uncertain significance. Last evaluated: 2025-02-02. Review status: criteria provided, single submitter. Criteria: Invitae Variant Classification Sherloc (09022015). Collection method: clinical testing. Allele origin: germline.
Comment: This sequence change falls in intron 13 of the DLC1 gene. It does not directly change the encoded amino acid sequence of the DLC1 protein. It affects a nucleotide within the consensus splice site. This variant is present in population databases (rs779798978, gnomAD 0.01%). This variant has not been reported in the literature in individuals affected with DLC1-related conditions. Variants that disrupt the consensus splice site are a relatively common cause of aberrant splicing (PMID: 17576681, 9536098). Algorithms developed to predict the effect of sequence changes on RNA splicing suggest that this variant is not likely to affect RNA splicing. In summary, the available evidence is currently insufficient to determine the role of this variant in disease. Therefore, it has been classified as a Variant of Uncertain Significance.

Literature cited by the submitters: PubMed 17576681; PubMed 9536098.

NM_182643.3(DLC1):c.3740+4C>T

Gene: DLC1 (DLC1 Rho GTPase activating protein; minus strand). Cytogenetic location: 8p22.
Variant type: single nucleotide variant.
Coding change: c.3740+4C>T on transcript NM_182643.3 (MANE Select); 4 bases into the intron after coding-DNA position 3740, C replaced by T.
Molecular consequence: intron variant.
Genome position (GRCh38, 1-based): chr8:13,092,608, G>A on the plus strand (C>T on the coding strand, the complement: DLC1 is on the minus strand). VCF-style: chr8-13092608-G-A. GRCh37 (hg19) VCF-style: chr8-12950117-G-A.
Other names: c.2207+4C>T (NM_001348082.2, NM_001413126.1, NM_001413127.1 and 6 more transcripts); c.3740+4C>T (NM_001348081.2, NM_001413124.1); c.2180+4C>T (NM_001413131.1, NM_001413137.1); c.2531+4C>T (NM_001413129.1, NM_001316668.2); c.2666+4C>T (NM_001413132.1); c.2522+4C>T (NM_001413130.1); c.2429+4C>T (NM_001413136.1, NM_001413139.1, NM_001413135.1 and 1 more transcripts); c.2564+4C>T (NM_001413140.1).
Identifiers: ClinVar variation 4779524 (VCV004779524.1).